The following is an entry in ClinVar:

ClinVar aggregate classification (germline): Uncertain significance (1 of 4 stars; one submission).

Conditions:
Nephrolithiasis/nephrocalcinosis. Identifiers: MedGen CN580796.

Submission:

Ambry Genetics
Classification: Uncertain significance for Nephrolithiasis/nephrocalcinosis. Last evaluated: 2021-10-26. Review status: criteria provided, single submitter. Criteria: Ambry Variant Classification Scheme 2023. Collection method: clinical testing. Allele origin: germline.
Comment: The p.S113T variant (also known as c.338G>C), located in coding exon 2 of the CASR gene, results from a G to C substitution at nucleotide position 338. The serine at codon 113 is replaced by threonine, an amino acid with similar properties. This amino acid position is conserved. In addition, the in silico prediction for this alteration is inconclusive. Since supporting evidence is limited at this time, the clinical significance of this alteration remains unclear.

NM_000388.4(CASR):c.338G>C (p.Ser113Thr)

Gene: CASR (calcium sensing receptor; plus strand). Cytogenetic location: 3q21.1.
Variant type: single nucleotide variant.
Coding change: c.338G>C on transcript NM_000388.4 (MANE Select); coding-DNA position 338, G replaced by C.
Protein change: p.Ser113Thr; replaces serine 113 with threonine.
Molecular consequence: missense variant.
Genome position (GRCh38, 1-based): chr3:122,257,233, G>C. VCF-style: chr3-122257233-G-C. GRCh37 (hg19) VCF-style: chr3-121976080-G-C.
Other names: c.338G>C, p.Ser113Thr (NM_001178065.2); short protein forms S113T.
Identifiers: ClinVar variation 1730888 (VCV001730888.2), dbSNP rs2473214672, ClinGen allele CA354362678.
Genomic context (GRCh38, chr3:122,257,233, plus strand): 5'-TGGGATACAGGATATTTGACACTTGCAACACCGTTTCTAAGGCCTTGGAAGCCACCCTGA[G>C]TTTTGTTGCTCAAAACAAAATTGATTCTTTGAACCTTGATGAGTTCTGCAACTGCTCAGA-3'
Protein context (NP_000379.3, residues 103-123): TVSKALEATL[Ser113Thr]FVAQNKIDSL